The following is an entry in ClinVar:

NM_000059.4(BRCA2):c.5330A>C (p.Lys1777Thr)

Gene: BRCA2 (BRCA2 DNA repair associated; plus strand). Cytogenetic location: 13q13.1.
Variant type: single nucleotide variant.
Coding change: c.5330A>C on transcript NM_000059.4 (MANE Select); coding-DNA position 5330, A replaced by C.
Protein change: p.Lys1777Thr; replaces lysine 1777 with threonine.
Molecular consequence: missense variant.
Genome position (GRCh38, 1-based): chr13:32,339,685, A>C. VCF-style: chr13-32339685-A-C. GRCh37 (hg19) VCF-style: chr13-32913822-A-C.
Other names: c.5330A>C (NM_000059.3); short protein forms K1777T.
Identifiers: ClinVar variation 1383239 (VCV001383239.8), dbSNP rs2137516417, ClinGen allele CA387784929.

ClinVar aggregate classification (germline): Conflicting classifications of pathogenicity. Review status: criteria provided, conflicting classifications (1 of 4 stars). 3 submissions from 3 submitters: Uncertain significance (2); Likely benign (1). Last evaluated 2026-05-19.

Conditions:
Hereditary cancer-predisposing syndrome. Also called: Neoplastic Syndromes, Hereditary; Tumor predisposition; Hereditary Cancer Syndrome; Hereditary neoplastic syndrome. Identifiers: Orphanet 140162, MedGen C0027672, MeSH D009386, MONDO:0015356.
Hereditary breast ovarian cancer syndrome. Also called: Hereditary breast and ovarian cancer; Hereditary breast and ovarian cancer syndrome; Hereditary breast and ovarian cancer syndrome (HBOC); BRCA1- and BRCA2-Associated Hereditary Breast and Ovarian Cancer; Breast and ovarian cancer; Hereditary breast and/or ovarian cancer syndrome. Identifiers: Orphanet 145, MedGen C0677776, MeSH D061325, MONDO:0003582. Disease mechanism: loss of function.

Submissions (3):

Ambry Genetics
Classification: Uncertain significance for Hereditary cancer-predisposing syndrome. Last evaluated: 2026-05-19. Review status: criteria provided, single submitter. Criteria: Ambry Variant Classification Scheme 2023. Collection method: clinical testing. Allele origin: germline.
Comment: The p.K1777T variant (also known as c.5330A>C), located in coding exon 10 of the BRCA2 gene, results from an A to C substitution at nucleotide position 5330. The lysine at codon 1777 is replaced by threonine, an amino acid with similar properties. This amino acid position is conserved. In addition, this alteration is predicted to be tolerated by in silico analysis. Based on the available evidence, the clinical significance of this variant remains unclear.

University of Washington Department of Laboratory Medicine, University of Washington
Classification: Likely benign for Hereditary cancer-predisposing syndrome. Last evaluated: 2023-03-23. Review status: criteria provided, single submitter. Criteria: Dines et al. (Genet Med. 2020). Collection method: curation. Allele origin: germline.
Comment: Missense variant in a coldspot region where missense variants are very unlikely to be pathogenic (PMID:31911673).

BRCA2 exon 11 coldspot. Reclassification based on statistical prior probability.

Labcorp Genetics (formerly Invitae), Labcorp
Classification: Uncertain significance for Hereditary breast ovarian cancer syndrome. Last evaluated: 2021-09-25. Review status: criteria provided, single submitter. Criteria: Invitae Variant Classification Sherloc (09022015). Collection method: clinical testing. Allele origin: germline.
Comment: In summary, the available evidence is currently insufficient to determine the role of this variant in disease. Therefore, it has been classified as a Variant of Uncertain Significance. Advanced modeling of protein sequence and biophysical properties (such as structural, functional, and spatial information, amino acid conservation, physicochemical variation, residue mobility, and thermodynamic stability) performed at Invitae indicates that this missense variant is not expected to disrupt BRCA2 protein function. This variant has not been reported in the literature in individuals affected with BRCA2-related conditions. This variant is not present in population databases (ExAC no frequency). This sequence change replaces lysine with threonine at codon 1777 of the BRCA2 protein (p.Lys1777Thr). The lysine residue is weakly conserved and there is a moderate physicochemical difference between lysine and threonine.